The following is an entry in ClinVar:

ClinVar aggregate classification (germline): Likely benign (0 of 4 stars; one submission).

Conditions:
OTOR-related disorder. Also called: OTOR-related condition.

Allele frequency attached by ClinVar (database versions not stated): ExAC 0.00002; gnomAD exomes 0.00002; gnomAD 0.00003; TOPMed 0.00004; ESP Exome Variant Server 0.00008.
gnomAD v4.1: 29 of 1,603,086 alleles (0.0018%); highest among the groups gnomAD compares: Non-Finnish European, 0.0024%; no homozygotes.

Submission:

PreventionGenetics, part of Exact Sciences
Classification: Likely benign for OTOR-related condition. Last evaluated: 2019-07-15. Review status: no assertion criteria provided. Collection method: clinical testing. Allele origin: germline.
Comment: This variant is classified as likely benign based on ACMG/AMP sequence variant interpretation guidelines (Richards et al. 2015 PMID: 25741868, with internal and published modifications).

NM_020157.4(OTOR):c.153T>C (p.Asn51=)

Gene: OTOR (otoraplin; plus strand). Cytogenetic location: 20p12.1.
Variant type: single nucleotide variant.
Coding change: c.153T>C on transcript NM_020157.4 (MANE Select); coding-DNA position 153, T replaced by C.
Protein change: p.Asn51=; no amino-acid change (asparagine 51 retained).
Molecular consequence: synonymous variant.
Genome position (GRCh38, 1-based): chr20:16,748,904, T>C. VCF-style: chr20-16748904-T-C. GRCh37 (hg19) VCF-style: chr20-16729549-T-C.
Identifiers: ClinVar variation 3049411 (VCV003049411.2), dbSNP rs377519748, ClinGen allele CA9771295.
Genomic context (GRCh38, chr20:16,748,904, plus strand): 5'-CATTTAAATTTTTTTTCTTCCAGATACTATTTCTCTGGCTAGTGCTCAAGAAGATTATAA[T>C]GCCCCGGACTGTAGATTCATTAACGTTAAAAAAGGGCAGCAGATCTATGTGTACTCAAAG-3'
Protein context (NP_064542.1, residues 41-61): ISLASAQEDY[Asn51=]APDCRFINVK